The following is an entry in ClinVar:

NM_000434.4(NEU1):c.911C>T (p.Pro304Leu)

Gene: NEU1 (neuraminidase 1; minus strand). Cytogenetic location: 6p21.33.
Variant type: single nucleotide variant.
Coding change: c.911C>T on transcript NM_000434.4 (MANE Select); coding-DNA position 911, C replaced by T.
Protein change: p.Pro304Leu; replaces proline 304 with leucine.
Molecular consequence: missense variant.
Genome position (GRCh38, 1-based): chr6:31,860,152, G>A on the plus strand (C>T on the coding strand, the complement: NEU1 is on the minus strand). VCF-style: chr6-31860152-G-A. GRCh37 (hg19) VCF-style: chr6-31827929-G-A.
Other names: c.911C>T (NM_000434.3); short protein forms P304L.
Identifiers: ClinVar variation 1041533 (VCV001041533.7), dbSNP rs750203675, ClinGen allele CA3724926.
Genomic context (GRCh38, chr6:31,860,152, plus strand): 5'-ACTACAGCTCCTGCAGCTACCACAGGGTCCACGAGCTCAGGGTCGAAGGTCACATCACGG[G>A]GCCTTAGTGTATCACAGGCATCATAGCTGCGGAGGACAATTCGGCAGTGGCAGTGGTAGT-3'
Protein context (NP_000425.1, residues 294-314): RSYDACDTLR[Pro304Leu]RDVTFDPELV

ClinVar aggregate classification (germline): Conflicting classifications of pathogenicity. Review status: criteria provided, conflicting classifications (1 of 4 stars). 2 submissions from 2 submitters: Uncertain significance (1); Likely benign (1). Last evaluated 2025-03-11.

Conditions:
Inborn genetic diseases. Identifiers: MedGen C0950123, MeSH D030342.

Allele frequency attached by ClinVar (database versions not stated): gnomAD 0.00001; gnomAD exomes 0.00001 and 0.00003; TOPMed 0.00002; ExAC 0.00004.
gnomAD v4.1: 15 of 1,612,862 alleles (0.00093%); highest among the groups gnomAD compares: Admixed American, 0.01%; no homozygotes.

Submissions (2):

Ambry Genetics
Classification: Likely benign for Inborn genetic diseases. Last evaluated: 2025-03-11. Review status: criteria provided, single submitter. Criteria: Ambry Variant Classification Scheme 2023. Collection method: clinical testing. Allele origin: germline.

Labcorp Genetics (formerly Invitae), Labcorp
Classification: Uncertain significance. Last evaluated: 2021-08-26. Review status: criteria provided, single submitter. Criteria: Invitae Variant Classification Sherloc (09022015). Collection method: clinical testing. Allele origin: germline.
Comment: This sequence change replaces proline with leucine at codon 304 of the NEU1 protein (p.Pro304Leu). The proline residue is highly conserved and there is a moderate physicochemical difference between proline and leucine. This variant is present in population databases (rs750203675, ExAC 0.02%). This variant has not been reported in the literature in individuals affected with NEU1-related conditions. Algorithms developed to predict the effect of missense changes on protein structure and function output the following: SIFT: "Tolerated"; PolyPhen-2: "Benign"; Align-GVGD: "Class C0". The leucine amino acid residue is found in multiple mammalian species, which suggests that this missense change does not adversely affect protein function. In summary, the available evidence is currently insufficient to determine the role of this variant in disease. Therefore, it has been classified as a Variant of Uncertain Significance.